The following is an entry in ClinVar:

ClinVar aggregate classification (germline): Benign/Likely benign. Review status: criteria provided, multiple submitters, no conflicts (2 of 4 stars). 25 submissions from 18 submitters: Benign (17); Likely benign (2). 6 of the submissions do not count toward it. Last evaluated 2026-02-03.

Conditions:
Cardiovascular phenotype. Identifiers: MedGen CN230736.
TTN-related disorder. Also called: TTN-related disorders; TTN-related condition; TTN-related disease.
Dilated cardiomyopathy 1G (CMD1G). Identifiers: Orphanet 154, MedGen C1858763, MONDO:0011400, OMIM 604145.
Autosomal recessive limb-girdle muscular dystrophy type 2J (LGMDR10). Also called: MUSCULAR DYSTROPHY, LIMB-GIRDLE, AUTOSOMAL RECESSIVE 10; Limb-girdle muscular dystrophy, type 2J. Identifiers: Orphanet 140922, MedGen C1837342, MONDO:0012127, OMIM 608807.
Cardiomyopathy (CMYO). Also called: Cardiomyopathies. Identifiers: Orphanet 167848, MedGen C0878544, MONDO:0004994, HP:0001638. Inheritance: Various modes of inheritance.
Early-onset myopathy with fatal cardiomyopathy (CMYO5). Also called: CONGENITAL MYOPATHY 5 WITH CARDIOMYOPATHY; Salih Myopathy. Identifiers: Orphanet 289377, MedGen C2673677, MONDO:0012714, OMIM 611705. Disease mechanism: loss of function.
Myopathy, myofibrillar, 9, with early respiratory failure (MFM9). Also called: Myopathy, distal, with early respiratory failure, autosomal dominant; Hereditary myopathy with early respiratory failure; MYOPATHY, PROXIMAL, WITH EARLY RESPIRATORY MUSCLE INVOLVEMENT; EDSTROM MYOPATHY. Identifiers: Orphanet 178464, Orphanet 34521, MedGen C1863599, MONDO:0011362, OMIM 603689.
Tibial muscular dystrophy (TMD). Also called: Udd Distal Myopathy – Tibial Muscular Dystrophy; Tibial muscular dystrophy, tardive; UDD MYOPATHY. Identifiers: Orphanet 609, MedGen C1838244, MONDO:0010870, OMIM 600334.

Allele frequency attached by ClinVar (database versions not stated): gnomAD exomes 0.00400 and 0.00160; ExAC 0.00525; ESP Exome Variant Server 0.01649; gnomAD 0.01653 and 0.01765; TOPMed 0.01896; 1000 Genomes Project 30x 0.02046; 1000 Genomes Project 0.02017.
gnomAD v4.1: 4,975 of 1,612,980 alleles (0.31%); highest among the groups gnomAD compares: African/African-American, 5.9%; 134 homozygotes.

Submissions (25):

Labcorp Genetics (formerly Invitae), Labcorp
Classification: Benign for Dilated cardiomyopathy 1G; Autosomal recessive limb-girdle muscular dystrophy type 2J. Last evaluated: 2026-02-03. Review status: criteria provided, single submitter. Criteria: Invitae Variant Classification Sherloc (09022015). Collection method: clinical testing. Allele origin: germline.

ARUP Laboratories, Molecular Genetics and Genomics, ARUP Laboratories
Classification: Benign. Last evaluated: 2025-07-08. Review status: criteria provided, single submitter. Criteria: ARUP Molecular Germline Variant Investigation Process 2024. Collection method: clinical testing. Allele origin: germline.

Molecular Diagnostic Laboratory for Inherited Cardiovascular Disease, Montreal Heart Institute
Classification: Benign. Last evaluated: 2025-04-09. Review status: criteria provided, single submitter. Criteria: ACMG Guidelines, 2015. Collection method: clinical testing. Allele origin: germline. Affected: no.

Mayo Clinic Laboratories, Mayo Clinic
Classification: Benign. Last evaluated: 2024-12-13. Review status: criteria provided, single submitter. Criteria: ACMG Guidelines, 2015. Collection method: clinical testing. Allele origin: germline. Observed: 34 variant alleles.
Comment: BA1, BP4, BP7

Genome-Nilou Lab
Classification: Benign for Autosomal recessive limb-girdle muscular dystrophy type 2J. Last evaluated: 2021-09-10. Review status: criteria provided, single submitter. Criteria: ACMG Guidelines, 2015. Collection method: clinical testing. Allele origin: germline. Affected: no.

Genome-Nilou Lab
Classification: Benign for Myopathy, myofibrillar, 9, with early respiratory failure. Last evaluated: 2021-09-10. Review status: criteria provided, single submitter. Criteria: ACMG Guidelines, 2015. Collection method: clinical testing. Allele origin: germline. Affected: no.

Genome-Nilou Lab
Classification: Benign for Early-onset myopathy with fatal cardiomyopathy. Last evaluated: 2021-09-10. Review status: criteria provided, single submitter. Criteria: ACMG Guidelines, 2015. Collection method: clinical testing. Allele origin: germline. Affected: no.

Genome-Nilou Lab
Classification: Benign for Tibial muscular dystrophy. Last evaluated: 2021-09-10. Review status: criteria provided, single submitter. Criteria: ACMG Guidelines, 2015. Collection method: clinical testing. Allele origin: germline. Affected: no.

Women's Health and Genetics/Laboratory Corporation of America, LabCorp
Classification: Benign. Last evaluated: 2020-05-10. Review status: criteria provided, single submitter. Criteria: LabCorp Variant Classification Summary - May 2015. Collection method: clinical testing. Allele origin: germline.

Illumina Laboratory Services, Illumina
Classification: Benign for Tibial muscular dystrophy. Last evaluated: 2018-01-12. Review status: criteria provided, single submitter. Criteria: ICSL Variant Classification Criteria 13 December 2019. Collection method: clinical testing. Allele origin: germline.
Comment: This variant was observed in the ICSL laboratory as part of a predisposition screen in an ostensibly healthy population. It had not been previously curated by ICSL or reported in the Human Gene Mutation Database (HGMD: prior to June 1st, 2018), and was therefore a candidate for classification through an automated scoring system. Utilizing variant allele frequency, disease prevalence and penetrance estimates, and inheritance mode, an automated score was calculated to assess if this variant is too frequent to cause the disease. Based on the score and internal cut-off values, a variant classified as benign is not then subjected to further curation. The score for this variant resulted in a classification of benign for this disease.

Illumina Laboratory Services, Illumina
Classification: Benign for Autosomal recessive limb-girdle muscular dystrophy type 2J. Last evaluated: 2018-01-12. Review status: criteria provided, single submitter. Criteria: ICSL Variant Classification Criteria 13 December 2019. Collection method: clinical testing. Allele origin: germline.
Comment: the same text as in the submission from Illumina Laboratory Services, Illumina above.

Illumina Laboratory Services, Illumina
Classification: Likely benign for Dilated cardiomyopathy 1G. Last evaluated: 2018-01-12. Review status: criteria provided, single submitter. Criteria: ICSL Variant Classification Criteria 13 December 2019. Collection method: clinical testing. Allele origin: germline.
Comment: This variant was observed in the ICSL laboratory as part of a predisposition screen in an ostensibly healthy population. It had not been previously curated by ICSL or reported in the Human Gene Mutation Database (HGMD: prior to June 1st, 2018), and was therefore a candidate for classification through an automated scoring system. Utilizing variant allele frequency, disease prevalence and penetrance estimates, and inheritance mode, an automated score was calculated to assess if this variant is too frequent to cause the disease. Based on the score and internal cut-off values, a variant classified as likely benign is not then subjected to further curation. The score for this variant resulted in a classification of likely benign for this disease.

Illumina Laboratory Services, Illumina
Classification: Benign for Myopathy, myofibrillar, 9, with early respiratory failure. Last evaluated: 2018-01-12. Review status: criteria provided, single submitter. Criteria: ICSL Variant Classification Criteria 13 December 2019. Collection method: clinical testing. Allele origin: germline.
Comment: the same text as in the submission from Illumina Laboratory Services, Illumina above.

Illumina Laboratory Services, Illumina
Classification: Benign for Early-onset myopathy with fatal cardiomyopathy. Last evaluated: 2018-01-12. Review status: criteria provided, single submitter. Criteria: ICSL Variant Classification Criteria 13 December 2019. Collection method: clinical testing. Allele origin: germline.
Comment: the same text as in the submission from Illumina Laboratory Services, Illumina above.

CHEO Genetics Diagnostic Laboratory, Children's Hospital of Eastern Ontario
Classification: Benign for Cardiomyopathy. Last evaluated: 2016-04-01. Review status: criteria provided, single submitter. Criteria: ACMG Guidelines, 2015. Collection method: clinical testing. Allele origin: germline. Study: Canadian Open Genetics Repository.

GeneDx
Classification: Benign. Last evaluated: 2014-01-02. Review status: criteria provided, single submitter. Criteria: GeneDx Variant Classification (06012015). Collection method: clinical testing. Allele origin: germline. Affected: yes.
Comment: This variant is considered likely benign or benign based on one or more of the following criteria: it is a conservative change, it occurs at a poorly conserved position in the protein, it is predicted to be benign by multiple in silico algorithms, and/or has population frequency not consistent with disease.

Ambry Genetics
Classification: Benign for Cardiovascular phenotype. Last evaluated: 2012-11-05. Review status: criteria provided, single submitter. Criteria: Ambry Autosomal Dominant and X-Linked criteria (10/2015). Collection method: clinical testing. Allele origin: germline. Observed: 1 variant allele.

Laboratory for Molecular Medicine, Mass General Brigham Personalized Medicine
Classification: Benign. Last evaluated: 2011-12-09. Review status: criteria provided, single submitter. Criteria: LMM Criteria. Collection method: clinical testing. Allele origin: germline. Observed: 26 variant alleles.

Breakthrough Genomics
Classification: Likely benign. Review status: criteria provided, single submitter. Criteria: ACMG Guidelines, 2015. Collection method: not provided. Allele origin: germline. Inheritance: Autosomal recessive inheritance. Affected: yes.

PreventionGenetics, part of Exact Sciences
Classification: Benign for TTN-related condition. Last evaluated: 2019-03-12. Review status: no assertion criteria provided. Collection method: clinical testing. Allele origin: germline. Not counted in ClinVar's aggregate classification.
Comment: This variant is classified as benign based on ACMG/AMP sequence variant interpretation guidelines (Richards et al. 2015 PMID: 25741868, with internal and published modifications).

Clinical Genetics DNA and cytogenetics Diagnostics Lab, Erasmus MC, Erasmus Medical Center
Classification: Benign. Review status: no assertion criteria provided. Collection method: clinical testing. Allele origin: germline. Affected: yes. Study: VKGL Data-share Consensus. Not counted in ClinVar's aggregate classification.

Clinical Genetics, Academic Medical Center
Classification: Benign. Review status: no assertion criteria provided. Collection method: clinical testing. Allele origin: germline. Affected: yes. Study: VKGL Data-share Consensus. Not counted in ClinVar's aggregate classification.

Diagnostic Laboratory, Department of Genetics, University Medical Center Groningen
Classification: Likely benign. Review status: no assertion criteria provided. Collection method: clinical testing. Allele origin: germline. Affected: yes. Study: VKGL Data-share Consensus. Not counted in ClinVar's aggregate classification.

Genetic Services Laboratory, University of Chicago
Classification: Likely benign for AllHighlyPenetrant. Review status: no assertion criteria provided. Collection method: clinical testing. Allele origin: germline. Not counted in ClinVar's aggregate classification.
Comment: Likely benign based on allele frequency in 1000 Genomes Project or ESP global frequency and its presence in a patient with a rare or unrelated disease phenotype. NOT Sanger confirmed.

Joint Genome Diagnostic Labs from Nijmegen and Maastricht, Radboudumc and MUMC+
Classification: Benign. Review status: no assertion criteria provided. Collection method: clinical testing. Allele origin: germline. Affected: yes. Study: VKGL Data-share Consensus. Not counted in ClinVar's aggregate classification.

NM_001267550.2(TTN):c.22611T>C (p.His7537=)

Gene: TTN (titin; minus strand). Cytogenetic location: 2q31.2.
Variant type: single nucleotide variant.
Coding change: c.22611T>C on transcript NM_001267550.2 (MANE Select); coding-DNA position 22611, T replaced by C.
Protein change: p.His7537=; no amino-acid change (histidine 7537 retained).
Molecular consequence: synonymous variant. On other transcripts: intron variant (3).
Genome position (GRCh38, 1-based): chr2:178,722,052, A>G on the plus strand (T>C on the coding strand, the complement: TTN is on the minus strand). VCF-style: chr2-178722052-A-G. GRCh37 (hg19) VCF-style: chr2-179586779-A-G.
Other names: p.H6293H:CAT>CAC; p.His6293=; c.21660T>C, p.His7220= (NM_001256850.1); c.18879T>C, p.His6293= (NM_133378.4); c.13282+16030T>C (NM_003319.4); c.13858+16030T>C (NM_133437.4); c.13657+16030T>C (NM_133432.3).
Identifiers: ClinVar variation 46702 (VCV000046702.53), dbSNP rs16866469, ClinGen allele CA282830.